The following is an entry in ClinVar:

ClinVar aggregate classification (germline): Uncertain significance. Review status: criteria provided, multiple submitters, no conflicts (2 of 4 stars). 2 submissions from 2 submitters: Uncertain significance (2). Last evaluated 2022-05-04.

Conditions:
Bloom syndrome (BLM). Also called: Bloom-Torre-Machacek syndrome. Identifiers: Orphanet 125, MedGen C0005859, MONDO:0008876, OMIM 210900.

Submissions (2):

Mendelics
Classification: Uncertain significance. Last evaluated: 2022-05-04. Review status: criteria provided, single submitter. Criteria: Mendelics Assertion Criteria 2019. Collection method: clinical testing. Allele origin: germline.

Labcorp Genetics (formerly Invitae), Labcorp
Classification: Uncertain significance for Bloom syndrome. Last evaluated: 2021-08-26. Review status: criteria provided, single submitter. Criteria: Invitae Variant Classification Sherloc (09022015). Collection method: clinical testing. Allele origin: germline.
Comment: This sequence change replaces arginine with lysine at codon 1331 of the BLM protein (p.Arg1331Lys). The arginine residue is weakly conserved and there is a small physicochemical difference between arginine and lysine. This variant is not present in population databases (ExAC no frequency). This variant has not been reported in the literature in individuals affected with BLM-related conditions. Algorithms developed to predict the effect of missense changes on protein structure and function (SIFT, PolyPhen-2, Align-GVGD) all suggest that this variant is likely to be tolerated. In summary, the available evidence is currently insufficient to determine the role of this variant in disease. Therefore, it has been classified as a Variant of Uncertain Significance.

NM_000057.4(BLM):c.3992G>A (p.Arg1331Lys)

Gene: BLM (BLM RecQ like helicase; plus strand). Cytogenetic location: 15q26.1.
Variant type: single nucleotide variant.
Coding change: c.3992G>A on transcript NM_000057.4 (MANE Select); coding-DNA position 3992, G replaced by A.
Protein change: p.Arg1331Lys; replaces arginine 1331 with lysine.
Molecular consequence: missense variant.
Genome position (GRCh38, 1-based): chr15:90,811,322, G>A. VCF-style: chr15-90811322-G-A. GRCh37 (hg19) VCF-style: chr15-91354552-G-A.
Other names: c.3992G>A, p.Arg1331Lys (NM_001287246.2); c.3599G>A, p.Arg1200Lys (NM_001287247.2); c.2867G>A, p.Arg956Lys (NM_001287248.2); short protein forms R1331K, R956K, R1200K.
Identifiers: ClinVar variation 405316 (VCV000405316.7), dbSNP rs1060500648, ClinGen allele CA16614622.